The following is an entry in ClinVar:

ClinVar aggregate classification (germline): Benign. Review status: criteria provided, multiple submitters, no conflicts (2 of 4 stars). 3 submissions from 3 submitters: Benign (2). 1 of the submissions does not count toward it. Last evaluated 2019-12-31.

Conditions:
MMP3-related disorder. Also called: MMP3-related condition.

Allele frequency attached by ClinVar (database versions not stated): ExAC 0.00244; 1000 Genomes Project 0.00260; gnomAD exomes 0.00396 and 0.00278; gnomAD 0.00274 and 0.00285; 1000 Genomes Project 30x 0.00297; TOPMed 0.00316; ESP Exome Variant Server 0.00361.
gnomAD v4.1: 6,187 of 1,611,888 alleles (0.38%); highest among the groups gnomAD compares: Admixed American, 0.5%; 16 homozygotes.

Submissions (3):

Labcorp Genetics (formerly Invitae), Labcorp
Classification: Benign. Last evaluated: 2019-12-31. Review status: criteria provided, single submitter. Criteria: Invitae Variant Classification Sherloc (09022015). Collection method: clinical testing. Allele origin: germline.

Breakthrough Genomics
Classification: Benign. Review status: criteria provided, single submitter. Criteria: ACMG Guidelines, 2015. Collection method: not provided. Allele origin: germline. Inheritance: Unknown mechanism. Affected: yes.

PreventionGenetics, part of Exact Sciences
Classification: Likely benign for MMP3-related condition. Last evaluated: 2019-10-07. Review status: no assertion criteria provided. Collection method: clinical testing. Allele origin: germline. Not counted in ClinVar's aggregate classification.
Comment: This variant is classified as likely benign based on ACMG/AMP sequence variant interpretation guidelines (Richards et al. 2015 PMID: 25741868, with internal and published modifications).

NM_002422.5(MMP3):c.792A>G (p.Gly264=)

Gene: MMP3 (matrix metallopeptidase 3; minus strand). Cytogenetic location: 11q22.2.
Variant type: single nucleotide variant.
Coding change: c.792A>G on transcript NM_002422.5 (MANE Select); coding-DNA position 792, A replaced by G.
Protein change: p.Gly264=; no amino-acid change (glycine 264 retained).
Molecular consequence: synonymous variant.
Genome position (GRCh38, 1-based): chr11:102,840,251, T>C on the plus strand (A>G on the coding strand, the complement: MMP3 is on the minus strand). VCF-style: chr11-102840251-T-C. GRCh37 (hg19) VCF-style: chr11-102710982-T-C.
Identifiers: ClinVar variation 770980 (VCV000770980.7), dbSNP rs3025065, ClinGen allele CA6250991.